The following is an entry in ClinVar:

NM_001007544.4(RHEX):c.303G>A (p.Ser101=)

Gene: RHEX (regulator of hemoglobinization and erythroid cell expansion; plus strand). Cytogenetic location: 1q32.1.
Variant type: single nucleotide variant.
Coding change: c.303G>A on transcript NM_001007544.4 (MANE Select); coding-DNA position 303, G replaced by A.
Protein change: p.Ser101=; no amino-acid change (serine 101 retained).
Molecular consequence: synonymous variant.
Genome position (GRCh38, 1-based): chr1:206,101,182, G>A. VCF-style: chr1-206101182-G-A. GRCh37 (hg19) VCF-style: chr1-206240149-C-T.
Other names: c.303G>A, p.Ser101= (NM_001369490.1).
Identifiers: ClinVar variation 3042138 (VCV003042138.2), dbSNP rs75501563, ClinGen allele CA1359615.

ClinVar aggregate classification (germline): Benign (0 of 4 stars; one submission).

Conditions:
RHEX-related disorder. Also called: RHEX-related condition.

Allele frequency attached by ClinVar (database versions not stated): ExAC 0.00282; ESP Exome Variant Server 0.01046; 1000 Genomes Project 0.01258; 1000 Genomes Project 30x 0.01280.
gnomAD v4.1: 2,770 of 1,611,890 alleles (0.17%); highest among the groups gnomAD compares: African/African-American, 3.4%; 54 homozygotes.

Submission:

PreventionGenetics, part of Exact Sciences
Classification: Benign for RHEX-related condition. Last evaluated: 2019-06-18. Review status: no assertion criteria provided. Collection method: clinical testing. Allele origin: germline.
Comment: This variant is classified as benign based on ACMG/AMP sequence variant interpretation guidelines (Richards et al. 2015 PMID: 25741868, with internal and published modifications).